The following is an entry in ClinVar:

ClinVar aggregate classification (germline): Uncertain significance. Review status: criteria provided, multiple submitters, no conflicts (2 of 4 stars). 3 submissions from 3 submitters: Uncertain significance (3). Last evaluated 2024-02-26.

Conditions:
Autosomal dominant nonsyndromic hearing loss 17. Also called: Deafness, autosomal dominant 17; Autosomal dominant nonsyndromic deafness 17. Identifiers: Orphanet 90635, MedGen C1863659, MONDO:0011350, OMIM 603622.
Macrothrombocytopenia and granulocyte inclusions with or without nephritis or sensorineural hearing loss (MATINS). Also called: DOHLE LEUKOCYTE INCLUSIONS WITH GIANT PLATELETS; ALPORT SYNDROME WITH MACROTHROMBOCYTOPENIA; Fechtner syndrome; Epstein syndrome; SEBASTIAN PLATELET SYNDROME; MACROTHROMBOCYTOPENIA WITH DISPERSED LEUKOCYTIC INCLUSIONS. Identifiers: Orphanet 182050, MedGen C5200934, MONDO:0015912, OMIM 155100.

Allele frequency attached by ClinVar (database versions not stated): gnomAD exomes 0.00001; ExAC 0.00002; TOPMed 0.00002; gnomAD 0.00003.

Submissions (3):

Fulgent Genetics
Classification: Uncertain significance for Macrothrombocytopenia and granulocyte inclusions with or without nephritis or sensorineural hearing loss; Autosomal dominant nonsyndromic hearing loss 17. Last evaluated: 2024-02-26. Review status: criteria provided, single submitter. Criteria: ACMG Guidelines, 2015. Collection method: clinical testing. Allele origin: germline.

GeneDx
Classification: Uncertain significance. Last evaluated: 2022-05-17. Review status: criteria provided, single submitter. Criteria: GeneDx Variant Classification Process June 2021. Collection method: clinical testing. Allele origin: germline. Affected: yes.
Comment: In silico analysis supports that this missense variant does not alter protein structure/function; Has not been previously published in association with MYH9-related disorders as pathogenic or benign to our knowledge; This variant is associated with the following publications: (PMID: 24463507)

Revvity Omics, Revvity
Classification: Uncertain significance. Last evaluated: 2021-11-01. Review status: criteria provided, single submitter. Criteria: ACMG Guidelines, 2015. Collection method: clinical testing. Allele origin: germline.

NM_002473.6(MYH9):c.3853G>A (p.Val1285Met)

Gene: MYH9 (myosin heavy chain 9; minus strand). Cytogenetic location: 22q12.3.
Variant type: single nucleotide variant.
Coding change: c.3853G>A on transcript NM_002473.6 (MANE Select); coding-DNA position 3853, G replaced by A.
Protein change: p.Val1285Met; replaces valine 1285 with methionine.
Molecular consequence: missense variant.
Genome position (GRCh38, 1-based): chr22:36,293,848, C>T on the plus strand (G>A on the coding strand, the complement: MYH9 is on the minus strand). VCF-style: chr22-36293848-C-T. GRCh37 (hg19) VCF-style: chr22-36689894-C-T.
Other names: short protein forms V1285M.
Identifiers: ClinVar variation 1800725 (VCV001800725.5), dbSNP rs770119352, ClinGen allele CA10209534.